The following is an entry in ClinVar:

ClinVar aggregate classification (germline): Likely benign (1 of 4 stars; one submission).

Submission:

CeGaT Center for Human Genetics Tuebingen
Classification: Likely benign. Last evaluated: 2026-07-01. Review status: criteria provided, single submitter. Criteria: CeGaT Center For Human Genetics Tuebingen Variant Classification Criteria Version 2. Collection method: clinical testing. Allele origin: germline. Affected: yes. Observed: 1 variant allele.
Comment: AHNAK2: BP4, BP7

NM_138420.4(AHNAK2):c.8040C>T (p.Ala2680=)

Gene: AHNAK2 (AHNAK nucleoprotein 2; minus strand). Cytogenetic location: 14q32.33.
Variant type: single nucleotide variant.
Coding change: c.8040C>T on transcript NM_138420.4 (MANE Select); coding-DNA position 8040, C replaced by T.
Protein change: p.Ala2680=; no amino-acid change (alanine 2680 retained).
Molecular consequence: synonymous variant.
Genome position (GRCh38, 1-based): chr14:104,947,411, G>A on the plus strand (C>T on the coding strand, the complement: AHNAK2 is on the minus strand). VCF-style: chr14-104947411-G-A. GRCh37 (hg19) VCF-style: chr14-105413748-G-A.
Other names: c.7740C>T, p.Ala2580= (NM_001350929.2).
Identifiers: ClinVar variation 5038509 (VCV005038509.1).